The following is an entry in ClinVar:

NM_199420.4(POLQ):c.7133T>C (p.Leu2378Pro)

Gene: POLQ (DNA polymerase theta; minus strand). Cytogenetic location: 3q13.33.
Variant type: single nucleotide variant.
Coding change: c.7133T>C on transcript NM_199420.4 (MANE Select); coding-DNA position 7133, T replaced by C.
Protein change: p.Leu2378Pro; replaces leucine 2378 with proline.
Molecular consequence: missense variant.
Genome position (GRCh38, 1-based): chr3:121,460,069, A>G on the plus strand (T>C on the coding strand, the complement: POLQ is on the minus strand). VCF-style: chr3-121460069-A-G. GRCh37 (hg19) VCF-style: chr3-121178916-A-G.
Other names: short protein forms L2378P.
Identifiers: ClinVar variation 1757325 (VCV001757325.3), dbSNP rs2546764499, ClinGen allele CA354106730.
Genomic context (GRCh38, chr3:121,460,069, plus strand): 5'-AAATTCTTCTCCTTTATATTAACCATGTTCACTAAAATCACCTGTTTTGCCTGCTGCCTC[A>G]GATCATCCCCAACAGACTCTGGCTCAATCATCTTCCACTCTGCTGCAATGCTCCTGAAAA-3'
Protein context (NP_955452.3, residues 2368-2388): MIEPESVGDD[Leu2378Pro]RQQAKQICYG

ClinVar aggregate classification (germline): Uncertain significance (1 of 4 stars; one submission).

Submission:

Ambry Genetics
Classification: Uncertain significance. Last evaluated: 2024-08-31. Review status: criteria provided, single submitter. Criteria: Ambry Variant Classification Scheme 2023. Collection method: clinical testing. Allele origin: germline.
Comment: The p.L2378P variant (also known as c.7133T>C), located in coding exon 25 of the POLQ gene, results from a T to C substitution at nucleotide position 7133. The leucine at codon 2378 is replaced by proline, an amino acid with similar properties. This amino acid position is conserved. In addition, this alteration is predicted to be deleterious by in silico analysis. Since supporting evidence is limited at this time, the clinical significance of this alteration remains unclear.